The following is an entry in ClinVar:

ClinVar aggregate classification (germline): Uncertain significance (1 of 4 stars; one submission).

Submissions (2):

GeneDx
Classification: Uncertain significance. Last evaluated: 2022-11-17. Review status: criteria provided, single submitter. Criteria: GeneDx Variant Classification Process June 2021. Collection method: clinical testing. Allele origin: germline. Affected: yes.
Comment: Not observed at significant frequency in large population cohorts (gnomAD); In silico analysis supports that this missense variant has a deleterious effect on protein structure/function; Has not been previously published as pathogenic or benign to our knowledge; In silico analysis suggests this variant may impact gene splicing. In the absence of RNA/functional studies, the actual effect of this sequence change is unknown.

Dr. Peter K. Rogan Lab, Western University
No classification provided (evidence only). Condition: Thyroid cancer, nonmedullary, 1. Review status: no classification provided. Collection method: in vitro. Allele origin: not applicable. Functional consequence: retained intron. Not counted in ClinVar's aggregate classification.

NM_004586.3(RPS6KA3):c.1696A>G (p.Lys566Glu)

Gene: RPS6KA3 (ribosomal protein S6 kinase A3; minus strand). Cytogenetic location: Xp22.12.
Variant type: single nucleotide variant.
Coding change: c.1696A>G on transcript NM_004586.3 (MANE Select); coding-DNA position 1696, A replaced by G.
Protein change: p.Lys566Glu; replaces lysine 566 with glutamic acid.
Molecular consequence: missense variant.
Genome position (GRCh38, 1-based): chrX:20,164,967, T>C on the plus strand (A>G on the coding strand, the complement: RPS6KA3 is on the minus strand). VCF-style: chrX-20164967-T-C. GRCh37 (hg19) VCF-style: chrX-20183085-T-C.
Other names: NC_000023.10:g.20183085T>C; short protein forms K566E.
Identifiers: ClinVar variation 1800561 (VCV001800561.2), dbSNP rs2519624995, ClinGen allele CA412514145.